The following is an entry in ClinVar:

ClinVar aggregate classification (germline): Conflicting classifications of pathogenicity. Review status: criteria provided, conflicting classifications (1 of 4 stars). 3 submissions from 2 submitters: Uncertain significance (1); Benign (2). Last evaluated 2023-09-06.

Conditions:
Hypoalphalipoproteinemia, primary, 1. Identifiers: Orphanet 425, MedGen C5231558, MONDO:0011393, OMIM 604091.
Tangier disease (TGD). Also called: HIGH DENSITY LIPOPROTEIN DEFICIENCY, TANGIER TYPE; HIGH DENSITY LIPOPROTEIN DEFICIENCY, TYPE 1; Cholesterol thesaurismosis. Identifiers: Orphanet 31150, MedGen C0039292, MONDO:0008783, OMIM 205400.

Allele frequency attached by ClinVar (database versions not stated): TOPMed below 0.00001; gnomAD 0.00001 and 0.00004; gnomAD exomes 0.00002 and 0.00018; 1000 Genomes Project 30x 0.00062; 1000 Genomes Project 0.00080; ExAC 0.00005.
gnomAD v4.1: 263 of 1,614,202 alleles (0.016%); highest among the groups gnomAD compares: East Asian, 0.56%; 1 homozygote.

Submissions (3):

GeneDx
Classification: Uncertain significance. Last evaluated: 2023-09-06. Review status: criteria provided, single submitter. Criteria: GeneDx Variant Classification Process June 2021. Collection method: clinical testing. Allele origin: germline. Affected: yes.
Comment: Has been reported in association with familial hypercholesterolemia (Sadananda et al., 2015; Dron et al., 2020; Nagahara et al., 2021); In silico analysis supports that this missense variant has a deleterious effect on protein structure/function; This variant is associated with the following publications: (PMID: 32041611, 26255038, 34011801)

Illumina Laboratory Services, Illumina
Classification: Benign for Tangier disease. Last evaluated: 2017-09-28. Review status: criteria provided, single submitter. Criteria: ICSL Variant Classification Criteria 13 December 2019. Collection method: clinical testing. Allele origin: germline.
Comment: This variant was observed as part of a predisposition screen in an ostensibly healthy population. A literature search was performed for the gene, cDNA change, and amino acid change (where applicable). No publications were found based on this search. Allele frequency data from public databases was too high to be consistent with this variant causing disease. Therefore, this variant is classified as benign.

Illumina Laboratory Services, Illumina
Classification: Benign for Hypoalphalipoproteinemia, primary, 1. Last evaluated: 2017-09-28. Review status: criteria provided, single submitter. Criteria: ICSL Variant Classification Criteria 13 December 2019. Collection method: clinical testing. Allele origin: germline.
Comment: This variant was observed as part of a predisposition screen in an ostensibly healthy population. A literature search was performed for the gene, cDNA change, and amino acid change (where applicable). Publications were found based on this search. The evidence from the literature, in combination with allele frequency data from public databases where available, was sufficient to rule this variant out of causing disease. Therefore, this variant is classified as benign.

Literature cited by the submitters: PubMed 26255038 (cited by Illumina Laboratory Services, Illumina).

NM_005502.4(ABCA1):c.3121C>G (p.Leu1041Val)

Gene: ABCA1 (ATP binding cassette subfamily A member 1; minus strand). Cytogenetic location: 9q31.1.
Variant type: single nucleotide variant.
Coding change: c.3121C>G on transcript NM_005502.4 (MANE Select); coding-DNA position 3121, C replaced by G.
Protein change: p.Leu1041Val; replaces leucine 1041 with valine.
Molecular consequence: missense variant.
Genome position (GRCh38, 1-based): chr9:104,819,706, G>C on the plus strand (C>G on the coding strand, the complement: ABCA1 is on the minus strand). VCF-style: chr9-104819706-G-C. GRCh37 (hg19) VCF-style: chr9-107581987-G-C.
Other names: short protein forms L1041V.
Identifiers: ClinVar variation 914883 (VCV000914883.5), dbSNP rs192935024, ClinGen allele CA5168526.